The following is an entry in ClinVar:

NM_018249.6(CDK5RAP2):c.1852C>T (p.Arg618Trp)

Gene: CDK5RAP2 (CDK5 regulatory subunit associated protein 2; minus strand). Cytogenetic location: 9q33.2.
Variant type: single nucleotide variant.
Coding change: c.1852C>T on transcript NM_018249.6 (MANE Select); coding-DNA position 1852, C replaced by T.
Protein change: p.Arg618Trp; replaces arginine 618 with tryptophan.
Molecular consequence: missense variant. On other transcripts: non-coding transcript variant (5).
Genome position (GRCh38, 1-based): chr9:120,471,754, G>A on the plus strand (C>T on the coding strand, the complement: CDK5RAP2 is on the minus strand). VCF-style: chr9-120471754-G-A. GRCh37 (hg19) VCF-style: chr9-123234032-G-A.
Other names: c.1852C>T, p.Arg618Trp (NM_001011649.3, NM_001272039.2, NM_001410992.1 and 2 more transcripts); c.1852C>T (NM_018249.5); short protein forms R618W.
Identifiers: ClinVar variation 1970770 (VCV001970770.5), dbSNP rs367955715, ClinGen allele CA5214262.

ClinVar aggregate classification (germline): Uncertain significance. Review status: criteria provided, single submitter (1 of 4 stars). 2 submissions from 2 submitters: Uncertain significance (1). 1 of the submissions does not count toward it. Last evaluated 2025-05-25.

Conditions:
CDK5RAP2-related disorder. Also called: CDK5RAP2-related condition.

Allele frequency attached by ClinVar (database versions not stated): ESP Exome Variant Server 0.00008; gnomAD 0.00008; gnomAD exomes 0.00008; TOPMed 0.00010; ExAC 0.00023; 1000 Genomes Project 0.00040; 1000 Genomes Project 30x 0.00047.
gnomAD v4.1: 130 of 1,614,038 alleles (0.0081%); highest among the groups gnomAD compares: East Asian, 0.069%; 2 homozygotes.

Submissions (2):

Labcorp Genetics (formerly Invitae), Labcorp
Classification: Uncertain significance. Last evaluated: 2025-05-25. Review status: criteria provided, single submitter. Criteria: Invitae Variant Classification Sherloc (09022015). Collection method: clinical testing. Allele origin: germline.
Comment: This sequence change replaces arginine, which is basic and polar, with tryptophan, which is neutral and slightly polar, at codon 618 of the CDK5RAP2 protein (p.Arg618Trp). This variant is present in population databases (rs367955715, gnomAD 0.2%). This variant has not been reported in the literature in individuals affected with CDK5RAP2-related conditions. ClinVar contains an entry for this variant (Variation ID: 1970770). An algorithm developed to predict the effect of missense changes on protein structure and function (PolyPhen-2) suggests that this variant is likely to be disruptive. Algorithms developed to predict the effect of sequence changes on RNA splicing suggest that this variant may create or strengthen a splice site. In summary, the available evidence is currently insufficient to determine the role of this variant in disease. Therefore, it has been classified as a Variant of Uncertain Significance.

PreventionGenetics, part of Exact Sciences
Classification: Likely benign for CDK5RAP2-related condition. Last evaluated: 2022-02-02. Review status: no assertion criteria provided. Collection method: clinical testing. Allele origin: germline. Not counted in ClinVar's aggregate classification.
Comment: This variant is classified as likely benign based on ACMG/AMP sequence variant interpretation guidelines (Richards et al. 2015 PMID: 25741868, with internal and published modifications).